The following continues an entry in ClinVar:

NM_001042492.3(NF1):c.1246C>T (p.Arg416Ter)

Gene: NF1. ClinVar aggregate classification (germline): Pathogenic. Pathogenic (27).

Submissions 12 to 29 of 29:

Ambry Genetics
Classification: Pathogenic for Cardiovascular phenotype; Hereditary cancer-predisposing syndrome. Last evaluated: 2024-08-29. Review status: criteria provided, single submitter. Criteria: Ambry Variant Classification Scheme 2023. Collection method: clinical testing. Allele origin: germline.
Comment: The p.R416* pathogenic mutation (also known as c.1246C>T), located in coding exon 11 of the NF1 gene, results from a C to T substitution at nucleotide position 1246. This changes the amino acid from an arginine to a stop codon within coding exon 11. This alteration has been identified in numerous individuals with clinical diagnoses of neurofibromatosis type 1 (NF1) (Osborn MJ et al. Hum. Genet. 1999 Oct;105:327-32; Ko JM et al. Pediatr. Neurol. 2013 Jun;48:447-53; Maruoka R et al. Genet. Test Mol. Biomarkers. 2014 Nov;18:722-35; Hutter S et al. Hum. Genet. 2016 May;135:469-75; Mao B et al. BMC Med Genet, 2018 06;19:101; Melloni G et al. Cancers (Basel), 2019 11;11:; Frayling IM et al. J Med Genet, 2019 04;56:209-219; Giugliano T et al. Genes (Basel), 2019 07;10:). In addition to the clinical data presented in the literature, this alteration is expected to result in loss of function by premature protein truncation or nonsense-mediated mRNA decay. As such, this alteration is interpreted as a disease-causing mutation.

Blueprint Genetics
Classification: Pathogenic for NF1-related disorders. Last evaluated: 2024-07-10. Review status: criteria provided, single submitter. Criteria: ACMG Guidelines, 2015. Collection method: clinical testing. Allele origin: germline. Affected: yes. Observed: 5 variant alleles.

Institute of Human Genetics, FAU Erlangen, Friedrich-Alexander-Universität Erlangen-Nürnberg
Classification: Pathogenic for Neurofibromatosis-Noonan syndrome. Last evaluated: 2024-01-24. Review status: criteria provided, single submitter. Criteria: Hauer et al. (Genet Med. 2018). Collection method: clinical testing. Allele origin: germline. Inheritance: Autosomal dominant inheritance. Affected: yes. Observed: 1 variant allele.
Comment: This variant has been identified by standard clinical testing. Selected ACMG criteria: Pathogenic (I):PS2;PVS1

Neuberg Centre For Genomic Medicine, NCGM
Classification: Pathogenic for Neurofibromatosis, type 1. Last evaluated: 2023-05-20. Review status: criteria provided, single submitter. Criteria: ACMG Guidelines, 2015. Collection method: clinical testing. Allele origin: germline. Inheritance: Autosomal dominant inheritance. Affected: yes.
Comment: The stop gained c.1246C>T (p.Arg416Ter) variant in the NF1 gene has been been reported as a recurring pathogenic variant in several individuals affected with Neurofibromatosis Type 1 (Fahsold, R et al., 2000; Maruoka, Ryo et al.,2014). This variant is reported with the allele frequency 0.0003% in the gnomAD. This variant has been reported to the ClinVar database as Pathogenic (multiple submissions). Computational evidence (MutationTaster - Disease causing) predicts damaging effect on protein structure and function for this variant. The nucleotide change c.1246C>T in NF1 is predicted as conserved by GERP++ and PhyloP across 100 vertebrates. Loss of function variants have been previously reported to be disease causing. For these reasons, this variant has been classified as Pathogenic.

ARUP Laboratories, Molecular Genetics and Genomics, ARUP Laboratories
Classification: Pathogenic. Last evaluated: 2022-09-15. Review status: criteria provided, single submitter. Criteria: ARUP Molecular Germline Variant Investigation Process 2021. Collection method: clinical testing. Allele origin: germline.
Comment: The NF1 c.1246C>T; p.Arg416Ter variant (rs764079291) has been reported in several unrelated individuals affected with neurofibromatosis type 1 (Fahsold 2000, Ko 2013, Maruoka 2014, Osborn 1999, Xu 2014). It is also reported in ClinVar (Variation ID: 404597). This variant is only observed on one allele in the Genome Aggregation Database, indicating it is not a common polymorphism. This variant induces an early termination codon and is predicted to result in a truncated protein or mRNA subject to nonsense-mediated decay. Based on available information, this variant is considered to be pathogenic. References: Fahsold R et al. Minor lesion mutational spectrum of the entire NF1 gene does not explain its high mutability but points to a functional domain upstream of the GAP-related domain. Am J Hum Genet. 2000 Mar;66(3):790-818. PMID: 10712197. Ko JM et al. Mutation spectrum of NF1 and clinical characteristics in 78 Korean patients with neurofibromatosis type 1. Pediatr Neurol. 2013 Jun;48(6):447-53. PMID: 23668869 Maruoka R et al. The use of next-generation sequencing in molecular diagnosis of neurofibromatosis type 1: a validation study. Genet Test Mol Biomarkers. 2014 Nov;18(11):722-35. PMID: 25325900. Osborn MJ et al. Evaluation of the protein truncation test and mutation detection in the NF1 gene: mutational analysis of 15 known and 40 unknown mutations. Hum Genet. 1999 Oct;105(4):327-32. PubMed: 10543400. Xu W et al. Fifty-four novel mutations in the NF1 gene and integrated analyses of the mutations that modulate splicing. Int J Mol Med. 2014 Jul;34(1):53-60. PMID: 24789688.

GeneDx
Classification: Pathogenic. Last evaluated: 2022-04-27. Review status: criteria provided, single submitter. Criteria: GeneDx Variant Classification Process June 2021. Collection method: clinical testing. Allele origin: germline. Affected: yes.
Comment: Nonsense variant predicted to result in protein truncation or nonsense mediated decay in a gene for which loss-of-function is a known mechanism of disease; Not observed at significant frequency in large population cohorts (gnomAD); This variant is associated with the following publications: (PMID: 25541118, 29922827, 25525159, 22155606, 29185159, 23244495, 25325900, 15060124, 23668869, 26969325, 29082380, 10712197, 29290338, 10543400, 24789688, 31370276, 30530636, 30290804, 29914388, 29489754, 27535533)

Genome-Nilou Lab
Classification: Pathogenic for Neurofibromatosis, type 1. Last evaluated: 2022-03-15. Review status: criteria provided, single submitter. Criteria: ACMG Guidelines, 2015. Collection method: clinical testing. Allele origin: germline. Affected: no.

Fulgent Genetics
Classification: Pathogenic for Neurofibromatosis, type 1; Neurofibromatosis, familial spinal; Café-au-lait macules with pulmonary stenosis; Neurofibromatosis-Noonan syndrome; Juvenile myelomonocytic leukemia. Last evaluated: 2022-03-08. Review status: criteria provided, single submitter. Criteria: ACMG Guidelines, 2015. Collection method: clinical testing. Allele origin: unknown.

Laboratorio de Genetica e Diagnostico Molecular, Hospital Israelita Albert Einstein
Classification: Pathogenic for Neurofibromatosis, type 1. Last evaluated: 2021-06-23. Review status: criteria provided, single submitter. Criteria: ACMG Guidelines, 2015. Collection method: clinical testing. Allele origin: germline. Affected: yes.
Comment: ACMG classification criteria: PVS1 very strong, PS4, PM2 moderate

Women's Health and Genetics/Laboratory Corporation of America, LabCorp
Classification: Pathogenic for Neurofibromatosis, type 1. Last evaluated: 2021-03-11. Review status: criteria provided, single submitter. Criteria: LabCorp Variant Classification Summary - May 2015. Collection method: clinical testing. Allele origin: germline.
Comment: Variant summary: NF1 c.1246C>T (p.Arg416X) results in a premature termination codon, predicted to cause a truncation of the encoded protein or absence of the protein due to nonsense mediated decay, which are commonly known mechanisms for disease. Truncations downstream of this position have been classified as pathogenic by our laboratory. The variant allele was found at a frequency of 4e-06 in 250118 control chromosomes. c.1246C>T has been widely reported in the literature in multiple individuals affected with Neurofibromatosis Type 1 (example, Osborne_1999, Fahsold_2000, Sabbagh_2013). These data indicate that the variant is very likely to be associated with disease. Multiple clinical diagnostic laboratories have submitted clinical-significance assessments for this variant to ClinVar after 2014. All laboratories classified the variant as pathogenic. Based on the evidence outlined above, the variant was classified as pathogenic.

Genome Diagnostics Laboratory, The Hospital for Sick Children
Classification: Pathogenic for Neurofibromatosis, type 1. Last evaluated: 2020-10-26. Review status: criteria provided, single submitter. Criteria: ACMG Guidelines, 2015. Collection method: clinical testing. Allele origin: germline. Affected: yes.

CeGaT Center for Human Genetics Tuebingen
Classification: Pathogenic. Last evaluated: 2018-09-01. Review status: criteria provided, single submitter. Criteria: CeGaT Center For Human Genetics Tuebingen Variant Classification Criteria Version 2. Collection method: clinical testing. Allele origin: germline. Affected: yes. Observed: 2 variant alleles.

Institute of Human Genetics, University of Leipzig Medical Center
Classification: Pathogenic for Neurofibromatosis, type 1. Last evaluated: 2018-08-23. Review status: criteria provided, single submitter. Criteria: ACMG Guidelines, 2015. Collection method: clinical testing. Allele origin: germline. Affected: yes. Observed: 2 variant alleles.

Genomic Research Center, Shahid Beheshti University of Medical Sciences
Classification: Pathogenic for Neurofibromatosis, type 1. Last evaluated: 2017-12-18. Review status: criteria provided, single submitter. Criteria: ACMG Guidelines, 2015. Collection method: clinical testing. Allele origin: inherited. Affected: yes.

Center for Human Genetics, Inc
Classification: Pathogenic for Neurofibromatosis, type 1. Last evaluated: 2016-11-01. Review status: criteria provided, single submitter. Criteria: ACMG Guidelines, 2015. Collection method: clinical testing. Allele origin: germline. Affected: yes.

Juno Genomics, Hangzhou Juno Genomics, Inc
Classification: Pathogenic for Neurofibromatosis, type 1; Neurofibromatosis, familial spinal; Café-au-lait macules with pulmonary stenosis; Neurofibromatosis-Noonan syndrome; Juvenile myelomonocytic leukemia. Review status: criteria provided, single submitter. Criteria: ACMG Guidelines, 2015. Collection method: clinical testing. Allele origin: germline. Affected: yes.
Comment: Absent from controls (or at extremely low frequency if recessive) in Genome Aggregation Database, Exome Sequencing Project, 1000 Genomes Project, or Exome Aggregation Consortium.;The prevalence of the variant in affected individuals is significantly increased compared to the prevalence in controls.;Null variant in a gene where loss of function (LOF) is a known mechanism of disease.

Clinical Genetics DNA and cytogenetics Diagnostics Lab, Erasmus MC, Erasmus Medical Center
Classification: Pathogenic. Review status: no assertion criteria provided. Collection method: clinical testing. Allele origin: germline. Affected: yes. Study: VKGL Data-share Consensus. Not counted in ClinVar's aggregate classification.

Joint Genome Diagnostic Labs from Nijmegen and Maastricht, Radboudumc and MUMC+
Classification: Pathogenic. Review status: no assertion criteria provided. Collection method: clinical testing. Allele origin: germline. Affected: yes. Study: VKGL Data-share Consensus. Not counted in ClinVar's aggregate classification.

Literature cited by the submitters: PubMed 20301288 (cited by Victorian Clinical Genetics Services, Murdoch Childrens Research Institute); PubMed 10712197 (cited by 4 submitters); PubMed 23913538 (cited by Labcorp Genetics (formerly Invitae), Labcorp and Women's Health and Genetics/Laboratory Corporation of America, LabCorp); PubMed 10543400 (cited by 5 submitters); PubMed 15060124 (cited by 3 submitters); PubMed 23668869 (cited by 5 submitters); PubMed 25325900 (cited by 4 submitters); PubMed 23244495 (cited by Dasa and Athena Diagnostics); PubMed 31370276 (cited by 4 submitters); PubMed 29914388 (cited by 3 submitters); PubMed 24789688 (cited by Dasa and Ambry Genetics); PubMed 29290338 (cited by 3 submitters); PubMed 29082380 (cited by 3 submitters); PubMed 37073110 (cited by Athena Diagnostics); PubMed 31766501 (cited by Athena Diagnostics and Ambry Genetics); PubMed 36612057 (cited by Athena Diagnostics); PubMed 29489754 (cited by Athena Diagnostics); PubMed 16941471 (cited by Athena Diagnostics); PubMed 26969325 (cited by Ambry Genetics); PubMed 30290804 (cited by Ambry Genetics); PubMed 30530636 (cited by Ambry Genetics); PubMed 10678181 (cited by Women's Health and Genetics/Laboratory Corporation of America, LabCorp); PubMed 23460398 (cited by Women's Health and Genetics/Laboratory Corporation of America, LabCorp); PubMed 29872168 (cited by Women's Health and Genetics/Laboratory Corporation of America, LabCorp); PubMed 27069254 (cited by Women's Health and Genetics/Laboratory Corporation of America, LabCorp).